The following is an entry in ClinVar:

NM_002160.4(TNC):c.2563G>A (p.Glu855Lys)

Gene: TNC (tenascin C; minus strand). Cytogenetic location: 9q33.1.
Variant type: single nucleotide variant.
Coding change: c.2563G>A on transcript NM_002160.4 (MANE Select); coding-DNA position 2563, G replaced by A.
Protein change: p.Glu855Lys; replaces glutamic acid 855 with lysine.
Molecular consequence: missense variant.
Genome position (GRCh38, 1-based): chr9:115,078,054, C>T on the plus strand (G>A on the coding strand, the complement: TNC is on the minus strand). VCF-style: chr9-115078054-C-T. GRCh37 (hg19) VCF-style: chr9-117840333-C-T.
Other names: c.2563G>A, p.Glu855Lys (NM_001410991.1, NM_001439065.1, NM_001439066.1 and 35 more transcripts); short protein forms E855K.
Identifiers: ClinVar variation 4187766 (VCV004187766.2).

ClinVar aggregate classification (germline): Uncertain significance. Review status: criteria provided, multiple submitters, no conflicts (2 of 4 stars). 2 submissions from 2 submitters: Uncertain significance (2). Last evaluated 2026-06-07.

Conditions:
TNC-related disorder. Also called: TNC-related condition.

gnomAD v4.1: 14 of 1,614,106 alleles (0.00087%); highest among the groups gnomAD compares: Admixed American, 0.0033%; no homozygotes.

Submissions (2):

PreventionGenetics, part of Exact Sciences
Classification: Uncertain significance for TNC-related condition. Last evaluated: 2026-06-07. Review status: criteria provided, single submitter. Criteria: ACMG Guidelines, 2015. Collection method: clinical testing. Allele origin: germline.
Comment: The TNC c.2563G>A variant is predicted to result in the amino acid substitution p.Glu855Lys. To our knowledge, this variant has not been reported in the literature. This variant is reported in 0.0029% of alleles in individuals of Latino descent in gnomAD. At this time, the clinical significance of this variant is uncertain due to the absence of conclusive functional and genetic evidence.

Ambry Genetics
Classification: Uncertain significance. Last evaluated: 2025-08-02. Review status: criteria provided, single submitter. Criteria: Ambry Variant Classification Scheme 2023. Collection method: clinical testing. Allele origin: germline.